The following is an entry in ClinVar:

ClinVar aggregate classification (germline): Likely pathogenic (1 of 4 stars; one submission).

Conditions:
Pontocerebellar hypoplasia type 1B. Also called: EXOSC3 Pontocerebellar Hypoplasia. Identifiers: Orphanet 2254, MedGen C3553449, MONDO:0013853, OMIM 614678.

Allele frequency attached by ClinVar (database versions not stated): gnomAD exomes below 0.00001.
gnomAD v4.1: 1 of 1,613,978 alleles (0.000062%); highest among the groups gnomAD compares: Non-Finnish European, 0.000085%; no homozygotes.

Submission:

Victorian Clinical Genetics Services, Murdoch Childrens Research Institute
Classification: Likely pathogenic for Pontocerebellar hypoplasia type 1B. Last evaluated: 2023-07-17. Review status: criteria provided, single submitter. Criteria: ACMG Guidelines, 2015. Collection method: clinical testing. Allele origin: germline. Inheritance: Autosomal recessive inheritance. Affected: yes.
Comment: Based on the classification scheme VCGS_Germline_v1.3.4, this variant is classified as Likely pathogenic. Following criteria are met: 0102 - Loss of function is a known mechanism of disease in this gene and is associated with pontocerebellar hypoplasia, type 1B (MIM#614678). (I) 0106 - This gene is associated with autosomal recessive disease. (I) 0200 - Variant is predicted to result in a missense amino acid change from glycine to arginine. (I) 0251 - This variant is heterozygous. (I) 0304 - Variant is present in gnomAD <0.01 for a recessive condition (v2) (1 heterozygote, 0 homozygotes). (SP) 0309 - An alternative amino acid change at the same position has been observed in gnomAD (v2) (1 heterozygote, 0 homozygotes). (I) 0501 - Missense variant consistently predicted to be damaging by multiple in silico tools or highly conserved with a major amino acid change. (SP) 0600 - Variant is located in the annotated KH domain (PDB) (I) 0704 - Another missense variant comparable to the one identified in this case has limited previous evidence for pathogenicity. A nearby missense variant within the same domain has been reported in patients with pontocerebellar hypoplasia including supporting functional evidence (ClinVar; PMID: 28053271; 29093021). (SP) 0807 - This variant has no previous evidence of pathogenicity. (I) 0905 - No published segregation evidence has been identified for this variant. (I) 1007 - No published functional evidence has been identified for this variant. (I) 1201 - Heterozygous variant detected in trans with a second pathogenic heterozygous variant (D132A) in a recessive disease. (I) Legend: (SP) - Supporting pathogenic, (I) - Information, (SB) - Supporting benign

Literature cited by the submitters: PubMed 28053271; PubMed 29093021.

NM_016042.4(EXOSC3):c.703G>A (p.Gly235Arg)

Gene: EXOSC3 (exosome component 3; minus strand). Cytogenetic location: 9p13.2.
Variant type: single nucleotide variant.
Coding change: c.703G>A on transcript NM_016042.4 (MANE Select); coding-DNA position 703, G replaced by A.
Protein change: p.Gly235Arg; replaces glycine 235 with arginine.
Molecular consequence: missense variant. On other transcripts: 3 prime UTR variant (1).
Genome position (GRCh38, 1-based): chr9:37,780,804, C>T on the plus strand (G>A on the coding strand, the complement: EXOSC3 is on the minus strand). VCF-style: chr9-37780804-C-T. GRCh37 (hg19) VCF-style: chr9-37780801-C-T.
Other names: c.*56G>A (NM_001002269.2); short protein forms G235R.
Identifiers: ClinVar variation 2500779 (VCV002500779.2), dbSNP rs1258608435, ClinGen allele CA373474733.